The following is an entry in ClinVar:

ClinVar aggregate classification (germline): Uncertain significance (1 of 4 stars; one submission).

Submission:

GeneDx
Classification: Uncertain significance. Last evaluated: 2023-11-01. Review status: criteria provided, single submitter. Criteria: GeneDx Variant Classification Process June 2021. Collection method: clinical testing. Allele origin: germline. Affected: yes.
Comment: Not observed at significant frequency in large population cohorts (gnomAD); In silico analysis supports that this missense variant has a deleterious effect on protein structure/function; Has not been previously published as pathogenic or benign to our knowledge

NM_002539.3(ODC1):c.271A>G (p.Ser91Gly)

Gene: ODC1 (ornithine decarboxylase 1; minus strand). Cytogenetic location: 2p25.1.
Variant type: single nucleotide variant.
Coding change: c.271A>G on transcript NM_002539.3 (MANE Select); coding-DNA position 271, A replaced by G.
Protein change: p.Ser91Gly; replaces serine 91 with glycine.
Molecular consequence: missense variant. On other transcripts: 5 prime UTR variant (1).
Genome position (GRCh38, 1-based): chr2:10,444,479, T>C on the plus strand (A>G on the coding strand, the complement: ODC1 is on the minus strand). VCF-style: chr2-10444479-T-C. GRCh37 (hg19) VCF-style: chr2-10584605-T-C.
Other names: c.-117A>G (NM_001287188.2); c.271A>G, p.Ser91Gly (NM_001287189.2, NM_001287190.2); short protein forms S91G.
Identifiers: ClinVar variation 3365988 (VCV003365988.1).
Genomic context (GRCh38, chr2:10,444,479, plus strand): 5'-GGGAATACCAGGCCCATTTTATACAACGCTTTTGAGGCCTGCTGCTATCGCTTACCTTGC[T>C]AGCACAGTCAAATCCTGTCCCGGTAGCAGCAAGGGTCTTCACGATGGCTTTGCTATCATT-3'
Protein context (NP_002530.1, residues 81-101): AATGTGFDCA[Ser91Gly]KTEIQLVQSL